The following is an entry in ClinVar:

ClinVar aggregate classification (germline): Likely pathogenic (1 of 4 stars; one submission).

Conditions:
Ataxia-telangiectasia syndrome (AT). Also called: Ataxia-telangiectasia, complementation group E; Ataxia telangiectasia (A-T); LOUIS-BAR SYNDROME; Ataxia-telangiectasia, complementation group D; AT, COMPLEMENTATION GROUP C; ATAXIA-TELANGIECTASIA, COMPLEMENTATION GROUP A. Identifiers: Orphanet 100, MedGen C0004135, MONDO:0008840, OMIM 208900.

Submission:

Natera, Inc.
Classification: Likely pathogenic for Ataxia-telangiectasia. Last evaluated: 2024-07-17. Review status: criteria provided, single submitter. Criteria: Natera Variant Classification Schema (03/2026). Collection method: clinical testing. Allele origin: germline.
Comment: The c.3641del variant in ATM is a frameshift variant predicted to shift the reading frame and introduce a stop codon. This variant is expected to result in nonsense mediated decay, truncation, or a dysfunctional protein product. This variant is rare in the general population with a frequency below the threshold expected for the associated phenotype(s). Given the available evidence, this variant is classified as Likely Pathogenic.

NM_000051.4(ATM):c.3641del (p.His1213_Leu1214insTer)

Gene: ATM (ATM serine/threonine kinase; plus strand). Cytogenetic location: 11q22.3.
Variant type: Deletion.
Coding change: c.3641del on transcript NM_000051.4 (MANE Select); coding-DNA position 3641, one base deleted (T; older notation c.3641delT).
Protein change: p.His1213_Leu1214insTer.
Molecular consequence: nonsense. On other transcripts: frameshift variant (1).
Genome position (GRCh38, 1-based): chr11:108,282,774, T deleted; the last of 3 consecutive T bases (chr11:108,282,772-108,282,774); deleting any one gives the same sequence. VCF-style (leftmost placement, unchanged base first): chr11-108282771-AT-A. GRCh37 (hg19) VCF-style: chr11-108153498-AT-A.
Other names: c.3641delT, p.Leu1214Terfs (NM_000051.3); c.3641del, p.His1213_Leu1214insTer (NM_001351834.2).
Identifiers: ClinVar variation 4814460 (VCV004814460.1).
Genomic context (GRCh38, chr11:108,282,771, plus strand): 5'-TTTTAGAGAAAGTTTCTGAAACTTTTGGATATAGACGTTTAGAAGACTTTATGGCATCTC[AT>A]TTAGATTATCTGGTTTTGGAATGGCTAAATCTTCAAGATACTGAATACAACTTATCTTCT-3'